The following is an entry in ClinVar:

ClinVar aggregate classification (germline): Uncertain significance (1 of 4 stars; one submission).

Submission:

GeneDx
Classification: Uncertain significance. Last evaluated: 2019-05-22. Review status: criteria provided, single submitter. Criteria: GeneDx Variant Classification Process June 2021. Collection method: clinical testing. Allele origin: germline. Affected: yes.
Comment: Not observed in large population cohorts (Lek et al., 2016); In silico analysis, which includes protein predictors and evolutionary conservation, supports that this variant does not alter protein structure/function; Has not been previously published as pathogenic or benign to our knowledge

NM_000554.6(CRX):c.734C>A (p.Ser245Tyr)

Gene: CRX (cone-rod homeobox; plus strand). Cytogenetic location: 19q13.33.
Variant type: single nucleotide variant.
Coding change: c.734C>A on transcript NM_000554.6 (MANE Select); coding-DNA position 734, C replaced by A.
Protein change: p.Ser245Tyr; replaces serine 245 with tyrosine.
Molecular consequence: missense variant.
Genome position (GRCh38, 1-based): chr19:47,839,801, C>A. VCF-style: chr19-47839801-C-A. GRCh37 (hg19) VCF-style: chr19-48343058-C-A.
Other names: short protein forms S245Y.
Identifiers: ClinVar variation 1306092 (VCV001306092.2), dbSNP rs2123743557, ClinGen allele CA406631681.